The following is an entry in ClinVar:

ClinVar aggregate classification (germline): Uncertain significance (1 of 4 stars; one submission).

Allele frequency attached by ClinVar (database versions not stated): gnomAD exomes below 0.00001; gnomAD 0.00001; TOPMed 0.00001.
gnomAD v4.1: 4 of 1,614,094 alleles (0.00025%); highest among the groups gnomAD compares: Non-Finnish European, 0.00025%; no homozygotes.

Submission:

Labcorp Genetics (formerly Invitae), Labcorp
Classification: Uncertain significance. Last evaluated: 2022-09-13. Review status: criteria provided, single submitter. Criteria: Invitae Variant Classification Sherloc (09022015). Collection method: clinical testing. Allele origin: germline.
Comment: In summary, the available evidence is currently insufficient to determine the role of this variant in disease. Therefore, it has been classified as a Variant of Uncertain Significance. Advanced modeling of protein sequence and biophysical properties (such as structural, functional, and spatial information, amino acid conservation, physicochemical variation, residue mobility, and thermodynamic stability) performed at Invitae indicates that this missense variant is not expected to disrupt MYH3 protein function. This variant has not been reported in the literature in individuals affected with MYH3-related conditions. This variant is present in population databases (no rsID available, gnomAD 0.0009%). This sequence change replaces serine, which is neutral and polar, with proline, which is neutral and non-polar, at codon 1471 of the MYH3 protein (p.Ser1471Pro).

NM_002470.4(MYH3):c.4411T>C (p.Ser1471Pro)

Genes: MYH3 (myosin heavy chain 3; minus strand), LOC130060295 (ATAC-STARR-seq lymphoblastoid active region 11731; plus strand). Cytogenetic location: 17p13.1.
Variant type: single nucleotide variant.
Coding change: c.4411T>C on transcript NM_002470.4 (MANE Select); coding-DNA position 4411, T replaced by C.
Protein change: p.Ser1471Pro; replaces serine 1471 with proline.
Molecular consequence: missense variant.
Genome position (GRCh38, 1-based): chr17:10,634,128, A>G on the plus strand (T>C on the coding strand, the complement: MYH3 is on the minus strand). VCF-style: chr17-10634128-A-G. GRCh37 (hg19) VCF-style: chr17-10537445-A-G.
Other names: short protein forms S1471P.
Identifiers: ClinVar variation 2422128 (VCV002422128.7), dbSNP rs1316929314, ClinGen allele CA398143166.